The following is an entry in ClinVar:

NM_015139.3(SLC35D1):c.244G>T (p.Ala82Ser)

Gene: SLC35D1 (solute carrier family 35 member D1; minus strand). Cytogenetic location: 1p31.3.
Variant type: single nucleotide variant.
Coding change: c.244G>T on transcript NM_015139.3 (MANE Select); coding-DNA position 244, G replaced by T.
Protein change: p.Ala82Ser; replaces alanine 82 with serine.
Molecular consequence: missense variant.
Genome position (GRCh38, 1-based): chr1:67,052,851, C>A on the plus strand (G>T on the coding strand, the complement: SLC35D1 is on the minus strand). VCF-style: chr1-67052851-C-A. GRCh37 (hg19) VCF-style: chr1-67518534-C-A.
Other names: short protein forms A82S.
Identifiers: ClinVar variation 1965028 (VCV001965028.5), dbSNP rs10157422, ClinGen allele CA899092.
Genomic context (GRCh38, chr1:67,052,851, plus strand): 5'-CAAGGTCAGGAAACTTGACTACTCTGAGCGCCTTTCCCACCCAGAGAACTGCCACTGTGG[C>A]CACCATCTGTAAACAAGAGAACACAGATTCACTGTTCTACACATAAAGACACACACAGAA-3'
Protein context (NP_055954.1, residues 72-92): SLCVGLGQMV[Ala82Ser]TVAVLWVGKA

ClinVar aggregate classification (germline): Uncertain significance (1 of 4 stars; one submission).

Conditions:
Schneckenbecken dysplasia. Identifiers: Orphanet 3144, MedGen C0432194, MONDO:0010013, OMIM 269250.

Submission:

Labcorp Genetics (formerly Invitae), Labcorp
Classification: Uncertain significance for Schneckenbecken dysplasia. Last evaluated: 2024-04-10. Review status: criteria provided, single submitter. Criteria: Invitae Variant Classification Sherloc (09022015). Collection method: clinical testing. Allele origin: germline.
Comment: This sequence change replaces alanine, which is neutral and non-polar, with serine, which is neutral and polar, at codon 82 of the SLC35D1 protein (p.Ala82Ser). This variant is present in population databases (rs10157422, gnomAD 0.009%). This variant has not been reported in the literature in individuals affected with SLC35D1-related conditions. ClinVar contains an entry for this variant (Variation ID: 1965028). Advanced modeling of protein sequence and biophysical properties (such as structural, functional, and spatial information, amino acid conservation, physicochemical variation, residue mobility, and thermodynamic stability) performed at Invitae indicates that this missense variant is not expected to disrupt SLC35D1 protein function with a negative predictive value of 80%. In summary, the available evidence is currently insufficient to determine the role of this variant in disease. Therefore, it has been classified as a Variant of Uncertain Significance.